The following is an entry in ClinVar:

NM_001378189.1(CFAP57):c.1929+21A>G

Genes: CFAP57 (cilia and flagella associated protein 57; plus strand), EBNA1BP2 (EBNA1 binding protein 2; minus strand), LOC105378685 (uncharacterized LOC105378685; minus strand). Cytogenetic location: 1p34.2.
Variant type: single nucleotide variant.
Coding change: c.1929+21A>G on transcript NM_001378189.1 (MANE Select); 21 bases into the intron after coding-DNA position 1929, A replaced by G.
Molecular consequence: intron variant. On other transcripts: synonymous variant (2).
Genome position (GRCh38, 1-based): chr1:43,209,937, A>G. VCF-style: chr1-43209937-A-G. GRCh37 (hg19) VCF-style: chr1-43675608-A-G.
Other names: c.1950A>G, p.Pro650= (NM_001167965.1, NM_152498.3); c.1929+21A>G (NM_001195831.3).
Identifiers: ClinVar variation 4982131 (VCV004982131.1).
Genomic context (GRCh38, chr1:43,209,937, plus strand): 5'-ATTCAATGAGTACCAGGCCCATGCCGGTCCTATCACCAAGGTGAGCAGGGCCCTCTCCCC[A>G]GGAACCCAGTCCCACACCTGCCTGCTACGTGCCTTGTTCATCCCTTCAACCTCCCAATGT-3'

ClinVar aggregate classification (germline): Likely benign (1 of 4 stars; one submission).

Conditions:
CFAP57-related disorder. Also called: CFAP57-related condition.

gnomAD v4.1: 45 of 1,614,038 alleles (0.0028%); highest among the groups gnomAD compares: Admixed American, 0.07%; 1 homozygote.

Submission:

PreventionGenetics, part of Exact Sciences
Classification: Likely benign for CFAP57-related condition. Last evaluated: 2026-01-04. Review status: criteria provided, single submitter. Criteria: ACMG Guidelines, 2015. Collection method: clinical testing. Allele origin: germline.
Comment: This variant is classified as likely benign based on ACMG/AMP sequence variant interpretation guidelines (Richards et al. 2015 PMID: 25741868, with internal and published modifications).